The following is an entry in ClinVar:

NM_001044.5(SLC6A3):c.709C>T (p.Arg237Trp)

Gene: SLC6A3 (solute carrier family 6 member 3). Cytogenetic location: 5p15.33.
Variant type: single nucleotide variant.
Coding change: c.709C>T on transcript NM_001044.5 (MANE Select); coding-DNA position 709, C replaced by T.
Protein change: p.Arg237Trp; replaces arginine 237 with tryptophan.
Molecular consequence: missense variant.
Genome position (GRCh38, 1-based): chr5:1,421,959, G>A on the plus strand (C>T on the coding strand, the complement: SLC6A3 is on the minus strand). VCF-style: chr5-1421959-G-A. GRCh37 (hg19) VCF-style: chr5-1422074-G-A.
Other names: short protein forms R237W.
Identifiers: ClinVar variation 2430420 (VCV002430420.1), dbSNP rs376877303, ClinGen allele CA112967357.

ClinVar aggregate classification (germline): Uncertain significance (1 of 4 stars; one submission).

Allele frequency attached by ClinVar (database versions not stated): ESP Exome Variant Server 0.00008.
gnomAD v4.1: 5 of 1,613,006 alleles (0.00031%); highest among the groups gnomAD compares: African/African-American, 0.0013%; no homozygotes.

Submission:

GeneDx
Classification: Uncertain significance. Last evaluated: 2022-08-23. Review status: criteria provided, single submitter. Criteria: GeneDx Variant Classification Process June 2021. Collection method: clinical testing. Allele origin: germline. Affected: yes.
Comment: Not observed at significant frequency in large population cohorts (gnomAD); In silico analysis supports that this missense variant has a deleterious effect on protein structure/function; Has not been previously published as pathogenic or benign to our knowledge